The following is an entry in ClinVar:

ClinVar aggregate classification (germline): Uncertain significance (1 of 4 stars; one submission).

Allele frequency attached by ClinVar (database versions not stated): gnomAD exomes below 0.00001 and 0.00001.
gnomAD v4.1: 2 of 1,613,940 alleles (0.00012%); highest among the groups gnomAD compares: Non-Finnish European, 0.00017%; no homozygotes.

Submission:

Labcorp Genetics (formerly Invitae), Labcorp
Classification: Uncertain significance. Last evaluated: 2021-08-27. Review status: criteria provided, single submitter. Criteria: Invitae Variant Classification Sherloc (09022015). Collection method: clinical testing. Allele origin: germline.
Comment: This variant is not present in population databases (ExAC no frequency). This sequence change replaces threonine with alanine at codon 609 of the MYLK3 protein (p.Thr609Ala). The threonine residue is highly conserved and there is a small physicochemical difference between threonine and alanine. This variant has not been reported in the literature in individuals affected with MYLK3-related conditions. In summary, the available evidence is currently insufficient to determine the role of this variant in disease. Therefore, it has been classified as a Variant of Uncertain Significance. Algorithms developed to predict the effect of missense changes on protein structure and function are either unavailable or do not agree on the potential impact of this missense change (SIFT: "Tolerated"; PolyPhen-2: "Possibly Damaging"; Align-GVGD: "Class C0").

NM_182493.3(MYLK3):c.1825A>G (p.Thr609Ala)

Gene: MYLK3 (myosin light chain kinase 3; minus strand). Cytogenetic location: 16q11.2.
Variant type: single nucleotide variant.
Coding change: c.1825A>G on transcript NM_182493.3 (MANE Select); coding-DNA position 1825, A replaced by G.
Protein change: p.Thr609Ala; replaces threonine 609 with alanine.
Molecular consequence: missense variant.
Genome position (GRCh38, 1-based): chr16:46,727,325, T>C on the plus strand (A>G on the coding strand, the complement: MYLK3 is on the minus strand). VCF-style: chr16-46727325-T-C. GRCh37 (hg19) VCF-style: chr16-46761237-T-C.
Other names: c.802A>G, p.Thr268Ala (NM_001308301.1); short protein forms T268A, T609A.
Identifiers: ClinVar variation 1394168 (VCV001394168.6), dbSNP rs1211248421, ClinGen allele CA395789920.